The following is an entry in ClinVar:

NM_017654.4(SAMD9):c.3374A>C (p.Gln1125Pro)

Gene: SAMD9 (sterile alpha motif domain containing 9; minus strand). Cytogenetic location: 7q21.2.
Variant type: single nucleotide variant.
Coding change: c.3374A>C on transcript NM_017654.4 (MANE Select); coding-DNA position 3374, A replaced by C.
Protein change: p.Gln1125Pro; replaces glutamine 1125 with proline.
Molecular consequence: missense variant.
Genome position (GRCh38, 1-based): chr7:93,102,724, T>G on the plus strand (A>C on the coding strand, the complement: SAMD9 is on the minus strand). VCF-style: chr7-93102724-T-G. GRCh37 (hg19) VCF-style: chr7-92732037-T-G.
Other names: c.3374A>C, p.Gln1125Pro (NM_001193307.2); short protein forms Q1125P.
Identifiers: ClinVar variation 4629878 (VCV004629878.1).

ClinVar aggregate classification (germline): Uncertain significance (1 of 4 stars; one submission).

Conditions:
Inborn genetic diseases. Identifiers: MedGen C0950123, MeSH D030342.

Submission:

Ambry Genetics
Classification: Uncertain significance for Inborn genetic diseases. Last evaluated: 2025-10-16. Review status: criteria provided, single submitter. Criteria: Ambry Variant Classification Scheme 2023. Collection method: clinical testing. Allele origin: germline.
Comment: The p.Q1125P variant (also known as c.3374A>C), located in coding exon 1 of the SAMD9 gene, results from an A to C substitution at nucleotide position 3374. The glutamine at codon 1125 is replaced by proline, an amino acid with similar properties. This amino acid position is conserved. In addition, the in silico prediction for this alteration is inconclusive. Based on the available evidence, the clinical significance of this variant remains unclear.